The following is an entry in ClinVar:

NM_001376.5(DYNC1H1):c.10348G>A (p.Glu3450Lys)

Gene: DYNC1H1 (dynein cytoplasmic 1 heavy chain 1; plus strand). Cytogenetic location: 14q32.31.
Variant type: single nucleotide variant.
Coding change: c.10348G>A on transcript NM_001376.5 (MANE Select); coding-DNA position 10348, G replaced by A.
Protein change: p.Glu3450Lys; replaces glutamic acid 3450 with lysine.
Molecular consequence: missense variant.
Genome position (GRCh38, 1-based): chr14:102,033,419, G>A. VCF-style: chr14-102033419-G-A. GRCh37 (hg19) VCF-style: chr14-102499756-G-A.
Other names: short protein forms E3450K.
Identifiers: ClinVar variation 453004 (VCV000453004.4), dbSNP rs1555411399, ClinGen allele CA391024417.

ClinVar aggregate classification (germline): Pathogenic/Likely pathogenic. Review status: criteria provided, multiple submitters, no conflicts (2 of 4 stars). 2 submissions from 2 submitters: Pathogenic (1); Likely pathogenic (1). Last evaluated 2019-04-01.

Conditions:
Cortical dysplasia, complex, with other brain malformations 13. Also called: Intellectual disability, autosomal dominant 13. Identifiers: MedGen C3281202, MONDO:0013805, OMIM 614563.

Submissions (2):

GeneDx
Classification: Pathogenic. Last evaluated: 2019-04-01. Review status: criteria provided, single submitter. Criteria: GeneDx Variant Classification Process June 2021. Collection method: clinical testing. Allele origin: germline. Affected: yes.
Comment: Not observed in large population cohorts (Lek et al., 2016); In silico analysis, which includes protein predictors and evolutionary conservation, supports a deleterious effect; Has not been previously published as pathogenic or benign to our knowledge

Clinical Genetics Service, Universitary Hospital 12 de Octubre
Classification: Likely pathogenic for Cortical dysplasia, complex, with other brain malformations 13. Review status: criteria provided, single submitter. Criteria: ACMG Guidelines, 2015. Collection method: clinical testing. Allele origin: germline. Affected: yes.